The following is an entry in ClinVar:

ClinVar aggregate classification (germline): Likely benign. Review status: criteria provided, multiple submitters, no conflicts (2 of 4 stars). 2 submissions from 2 submitters: Likely benign (2). Last evaluated 2025-06-11.

Conditions:
Spastic paraplegia. Identifiers: MedGen C0037772, HP:0001258.

Allele frequency attached by ClinVar (database versions not stated): TOPMed 0.00002; gnomAD 0.00003; gnomAD exomes 0.00002.
gnomAD v4.1: 24 of 1,192,084 alleles (0.002%); highest among the groups gnomAD compares: Non-Finnish European, 0.0026%; no homozygotes.

Submissions (2):

Athena Diagnostics
Classification: Likely benign. Last evaluated: 2025-06-11. Review status: criteria provided, single submitter. Criteria: Athena Diagnostics Criteria. Collection method: clinical testing. Allele origin: unknown.
Comment: Computational tools yielded predictions that this variant is unlikely to have an effect on normal RNA splicing. This nucleotide position exhibits low evolutionary conservation.

Labcorp Genetics (formerly Invitae), Labcorp
Classification: Likely benign for Spastic paraplegia. Last evaluated: 2025-05-22. Review status: criteria provided, single submitter. Criteria: Invitae Variant Classification Sherloc (09022015). Collection method: clinical testing. Allele origin: germline.

NM_001278116.2(L1CAM):c.3543-9C>T

Gene: L1CAM (L1 cell adhesion molecule; minus strand). Cytogenetic location: Xq28.
Variant type: single nucleotide variant.
Coding change: c.3543-9C>T on transcript NM_001278116.2 (MANE Select); 9 bases into the intron before coding-DNA position 3543, C replaced by T.
Molecular consequence: intron variant.
Genome position (GRCh38, 1-based): chrX:153,862,903, G>A on the plus strand (C>T on the coding strand, the complement: L1CAM is on the minus strand). VCF-style: chrX-153862903-G-A. GRCh37 (hg19) VCF-style: chrX-153128358-G-A.
Other names: c.3516-9C>T (NM_001143963.2); c.3531-9C>T (NM_024003.3); c.3543-9C>T (NM_000425.5, NM_000425.3).
Identifiers: ClinVar variation 3017961 (VCV003017961.4), dbSNP rs1245776791, ClinGen allele CA645288845.